The following is an entry in ClinVar:

ClinVar aggregate classification (germline): Uncertain significance (1 of 4 stars; one submission).

Submission:

Labcorp Genetics (formerly Invitae), Labcorp
Classification: Uncertain significance. Last evaluated: 2025-12-01. Review status: criteria provided, single submitter. Criteria: Invitae Variant Classification Sherloc (09022015). Collection method: clinical testing. Allele origin: germline.
Comment: This sequence change replaces tyrosine, which is neutral and polar, with phenylalanine, which is neutral and non-polar, at codon 686 of the GPR179 protein (p.Tyr686Phe). This variant is not present in population databases (gnomAD no frequency). This variant has not been reported in the literature in individuals affected with GPR179-related conditions. An algorithm developed to predict the effect of missense changes on protein structure and function (PolyPhen-2) suggests that this variant is likely to be disruptive. In summary, the available evidence is currently insufficient to determine the role of this variant in disease. Therefore, it has been classified as a Variant of Uncertain Significance.

NM_001004334.4(GPR179):c.2057A>T (p.Tyr686Phe)

Gene: GPR179 (G protein-coupled receptor 179; minus strand). Cytogenetic location: 17q12.
Variant type: single nucleotide variant.
Coding change: c.2057A>T on transcript NM_001004334.4 (MANE Select); coding-DNA position 2057, A replaced by T.
Protein change: p.Tyr686Phe; replaces tyrosine 686 with phenylalanine.
Molecular consequence: missense variant.
Genome position (GRCh38, 1-based): chr17:38,331,512, T>A on the plus strand (A>T on the coding strand, the complement: GPR179 is on the minus strand). VCF-style: chr17-38331512-T-A. GRCh37 (hg19) VCF-style: chr17-36487395-T-A.
Other names: short protein forms Y686F.
Identifiers: ClinVar variation 4731788 (VCV004731788.1).